The following is an entry in ClinVar:

NM_032578.4(MYPN):c.902+15T>C

Gene: MYPN (myopalladin; plus strand). Cytogenetic location: 10q21.3.
Variant type: single nucleotide variant.
Coding change: c.902+15T>C on transcript NM_032578.4 (MANE Select); 15 bases into the intron after coding-DNA position 902, T replaced by C.
Molecular consequence: intron variant.
Genome position (GRCh38, 1-based): chr10:68,122,355, T>C. VCF-style: chr10-68122355-T-C. GRCh37 (hg19) VCF-style: chr10-69882112-T-C.
Other names: c.902+15T>C (NM_001256267.2); c.-221+15T>C (NM_001256268.2).
Identifiers: ClinVar variation 518158 (VCV000518158.1), dbSNP rs1341748670, ClinGen allele CA658797431.

ClinVar aggregate classification (germline): Likely benign (1 of 4 stars; one submission).

Allele frequency attached by ClinVar (database versions not stated): gnomAD 0.00001; TOPMed 0.00001 and below 0.00001.
gnomAD v4.1: 1 of 1,611,646 alleles (0.000062%); highest among the groups gnomAD compares: Non-Finnish European, 0.000085%; no homozygotes.

Submission:

GeneDx
Classification: Likely benign. Last evaluated: 2017-06-23. Review status: criteria provided, single submitter. Criteria: GeneDx Variant Classification (06012015). Collection method: clinical testing. Allele origin: germline. Affected: yes.
Comment: This variant is considered likely benign or benign based on one or more of the following criteria: it is a conservative change, it occurs at a poorly conserved position in the protein, it is predicted to be benign by multiple in silico algorithms, and/or has population frequency not consistent with disease.